The following is an entry in ClinVar:

NM_001370259.2(MEN1):c.1420del (p.Glu474fs)

Gene: MEN1 (menin 1; minus strand). Cytogenetic location: 11q13.1.
Variant type: Deletion.
Coding change: c.1420del on transcript NM_001370259.2 (MANE Select); coding-DNA position 1420, one base deleted (G; older notation c.1420delG).
Protein change: p.Glu474fs; shifts the reading frame from glutamic acid 474.
Molecular consequence: frameshift variant.
Genome position (GRCh38, 1-based): chr11:64,804,747, C deleted on the plus strand (G on the coding strand, the reverse complement: MEN1 is on the minus strand); the first of 2 consecutive C bases (chr11:64,804,747-64,804,748); deleting either gives the same sequence. VCF-style (leftmost placement, unchanged base first): chr11-64804746-TC-T. GRCh37 (hg19) VCF-style: chr11-64572218-TC-T.
Other names: c.1435del, p.Glu479fs (NM_000244.4, NM_130800.3, NM_130801.3 and 3 more transcripts); c.1546del, p.Glu516fs (NM_001370251.2); c.1420del, p.Glu474fs (NM_001370260.2, NM_001370261.2, NM_130799.3); c.1315del, p.Glu439fs (NM_001370262.2, NM_001370263.2); short protein forms E439fs, E474fs, E479fs, E516fs.
Identifiers: ClinVar variation 663804 (VCV000663804.9), dbSNP rs1592633378, ClinGen allele CA915948598.

ClinVar aggregate classification (germline): Pathogenic (1 of 4 stars; one submission).

Conditions:
Multiple endocrine neoplasia, type 1 (MEN1). Also called: MEA I; MEN I; WERMER SYNDROME; Endocrine adenomatosis multiple; MEN 1. Identifiers: Orphanet 652, MedGen C0025267, MeSH D018761, MONDO:0007540, OMIM 131100.

Submission:

Labcorp Genetics (formerly Invitae), Labcorp
Classification: Pathogenic for Multiple endocrine neoplasia, type 1. Last evaluated: 2018-12-24. Review status: criteria provided, single submitter. Criteria: Invitae Variant Classification Sherloc (09022015). Collection method: clinical testing. Allele origin: germline.
Comment: This sequence change results in a premature translational stop signal in the MEN1 gene (p.Glu474Lysfs*85). While this is not anticipated to result in nonsense mediated decay, it is expected to disrupt the last 137 amino acids of the MEN1 protein. For these reasons, this variant has been classified as Pathogenic. This variant disrupts the C-terminus of the MEN1 protein. Other variant(s) that disrupt this region (p.Thr580Argfs*8) have been determined to be pathogenic (PMID: 15331604, 16449969, Invitae). This suggests that variants that disrupt this region of the protein are likely to be causative of disease. This variant has not been reported in the literature in individuals with MEN1-related conditions. This variant is not present in population databases (ExAC no frequency).

Literature cited by the submitters: PubMed 15331604; PubMed 16449969.